The following is an entry in ClinVar:

ClinVar aggregate classification (germline): Pathogenic (1 of 4 stars; one submission).

Conditions:
Charcot-Marie-Tooth disease, axonal, autosomal recessive, type 2a2b;. Also called: Charcot-Marie-Tooth disease, axonal, autosomal recessive, type 2A2B; Charcot-Marie-Tooth disease, axonal, type 2A2B. Identifiers: MedGen C4310725, MONDO:0014906, OMIM 617087.

Submission:

Victorian Clinical Genetics Services, Murdoch Childrens Research Institute
Classification: Pathogenic for Charcot-Marie-Tooth disease, axonal, autosomal recessive, type 2a2b;. Last evaluated: 2023-07-17. Review status: criteria provided, single submitter. Criteria: ACMG Guidelines, 2015. Collection method: clinical testing. Allele origin: germline. Inheritance: Autosomal recessive inheritance. Affected: no.
Comment: Based on the classification scheme VCGS_Germline_v1.3.4, this variant is classified as Pathogenic. Following criteria are met: 0103 - Dominant negative, loss of function and gain of function are known mechanisms of disease in this gene and are associated with Charcot-Marie-Tooth disease, axonal, type 2A2B (MIM#617087), Charcot-Marie-Tooth disease, axonal, type 2A2A (MIM#609260) and hereditary motor and sensory neuropathy VIA, (MIM#601152). Missense variants have been functionally proven to result in a dominant negative and gain of function effect on protein function, and are associated with dominant disease. Protein truncating variants have a loss of function mechanism, and are moreso associated with recessive disease (PMID: 12527753, PMID: 29898954, PMID: 36229071). (I) 0108 - This gene is associated with both recessive and dominant disease. The associated diseases are predominantly monoallelic; however, biallelic variants have also been reported in early-onset severe cases (OMIM). (I) 0112 - The condition associated with this gene has incomplete penetrance. Monoallelic variants in early-onset cases have been reported to be inherited from unaffected parents (OMIM, PMID: 26686600). (I) 0115 - Variants in this gene are known to have variable expressivity. Pathogenic variants have been shown to result in different phenotypic spectrums within members of the same family (OMIM). (I) 0201 - Variant is predicted to cause nonsense-mediated decay (NMD) and loss of protein (premature termination codon is located at least 54 nucleotides upstream of the final exon-exon junction). (SP) 0251 - This variant is heterozygous. (I) 0301 - Variant is absent from gnomAD (both v2 and v3). (SP) 0701 - Other NMD-predicted variants comparable to the one identified in this case have very strong previous evidence for pathogenicity. These variants have been reported many times as pathogenic (DECIPHER), and observed as compound heterozygous in multiple individuals with Charcot-Marie-Tooth disease. While these variants have also been reported in sporadic cases, there are multiple examples of them being inherited from unaffected parents, and described as variants of uncertain significance for dominant disease (PMID: 33415332, PMID: 22492563, PMID: 24078732, PMID: 16437557, PMID: 21715711). (SP) 0807 - This variant has no previous evidence of pathogenicity. (I) 0905 - No published segregation evidence has been identified for this variant. (I) 1007 - No published functional evidence has been identified for this variant. (I) Legend: (SP) - Supporting pathogenic, (I) - Information, (SB) - Supporting benign

Literature cited by the submitters: PubMed 12527753; PubMed 16437557; PubMed 21715711; PubMed 22492563; PubMed 24078732; PubMed 26686600; PubMed 29898954; PubMed 33415332; PubMed 36229071.

NM_014874.4(MFN2):c.1817del (p.Gly606fs)

Gene: MFN2 (mitofusin 2; plus strand). Cytogenetic location: 1p36.22.
Variant type: Deletion.
Coding change: c.1817del on transcript NM_014874.4 (MANE Select); coding-DNA position 1817, one base deleted (G; older notation c.1817delG).
Protein change: p.Gly606fs; shifts the reading frame from glycine 606.
Molecular consequence: frameshift variant.
Genome position (GRCh38, 1-based): chr1:12,006,638, G deleted; the last of 2 consecutive G bases (chr1:12,006,637-12,006,638); deleting either gives the same sequence. VCF-style (leftmost placement, unchanged base first): chr1-12006636-CG-C. GRCh37 (hg19) VCF-style: chr1-12066693-CG-C.
Other names: c.1817del, p.Gly606fs (NM_001127660.2); short protein forms G606fs.
Identifiers: ClinVar variation 3376754 (VCV003376754.1).